The following is an entry in ClinVar:

ClinVar aggregate classification (germline): Conflicting classifications of pathogenicity. Review status: criteria provided, conflicting classifications (1 of 4 stars). 2 submissions from 2 submitters: Uncertain significance (1); Likely benign (1). Last evaluated 2025-10-28.

Conditions:
Hereditary cancer-predisposing syndrome. Also called: Hereditary Cancer Syndrome; Hereditary neoplastic syndrome; Neoplastic Syndromes, Hereditary; Tumor predisposition. Identifiers: Orphanet 140162, MedGen C0027672, MeSH D009386, MONDO:0015356.
Familial adenomatous polyposis 2. Also called: MUTYH-associated polyposis; MUTYH-related attenuated familial adenomatous polyposis; FAP type 2; Adenomas, multiple colorectal; MYH-associated polyposis; MUTYH Polyposis. Identifiers: Orphanet 220460, Orphanet 247798, MedGen C3272841, MONDO:0012041, OMIM 608456.

Allele frequency attached by ClinVar (database versions not stated): gnomAD 0.00001; gnomAD exomes below 0.00001; TOPMed below 0.00001.
gnomAD v4.1: 2 of 1,607,614 alleles (0.00012%); highest among the groups gnomAD compares: Non-Finnish European, 0.00017%; no homozygotes.

Submissions (2):

Labcorp Genetics (formerly Invitae), Labcorp
Classification: Uncertain significance for Familial adenomatous polyposis 2. Last evaluated: 2025-10-28. Review status: criteria provided, single submitter. Criteria: Invitae Variant Classification Sherloc (09022015). Collection method: clinical testing. Allele origin: germline.
Comment: This sequence change replaces histidine, which is basic and polar, with glutamine, which is neutral and polar, at codon 340 of the MUTYH protein (p.His340Gln). This variant is not present in population databases (gnomAD no frequency). This variant has not been reported in the literature in individuals affected with MUTYH-related conditions. ClinVar contains an entry for this variant (Variation ID: 1758065). An algorithm developed to predict the effect of missense changes on protein structure and function outputs the following: PolyPhen-2: "Benign". The glutamine amino acid residue is found in multiple mammalian species, which suggests that this missense change does not adversely affect protein function. In summary, the available evidence is currently insufficient to determine the role of this variant in disease. Therefore, it has been classified as a Variant of Uncertain Significance.

Ambry Genetics
Classification: Likely benign for Hereditary cancer-predisposing syndrome. Last evaluated: 2020-09-15. Review status: criteria provided, single submitter. Criteria: Ambry Variant Classification Scheme 2023. Collection method: clinical testing. Allele origin: germline.

NM_001048174.2(MUTYH):c.936C>G (p.His312Gln)

Gene: MUTYH (mutY DNA glycosylase; minus strand). Cytogenetic location: 1p34.1.
Variant type: single nucleotide variant.
Coding change: c.936C>G on transcript NM_001048174.2 (MANE Select); coding-DNA position 936, C replaced by G.
Protein change: p.His312Gln; replaces histidine 312 with glutamine.
Molecular consequence: missense variant. On other transcripts: non-coding transcript variant (2).
Genome position (GRCh38, 1-based): chr1:45,331,827, G>C on the plus strand (C>G on the coding strand, the complement: MUTYH is on the minus strand). VCF-style: chr1-45331827-G-C. GRCh37 (hg19) VCF-style: chr1-45797499-G-C.
Other names: c.936C>G, p.His312Gln (NM_001048171.2, NM_001048173.2, NM_001293195.2 and 6 more transcripts); c.939C>G, p.His313Gln (NM_001048172.2, NM_001407071.1, NM_001407078.1 and 1 more transcripts); c.1020C>G, p.His340Gln (NM_001128425.2); c.981C>G, p.His327Gln (NM_001293190.2); c.969C>G, p.His323Gln (NM_001293191.2, NM_001407069.1, NM_001407077.1); c.660C>G, p.His220Gln (NM_001293192.2, NM_001293196.2, NM_001407091.1); c.591C>G, p.His197Gln (NM_001350650.2, NM_001350651.2, NM_001407082.1); c.852C>G, p.His284Gln (NM_001407075.1); and 5 more; short protein forms H299Q, H313Q, H319Q, H197Q, H220Q, H298Q, H326Q, H284Q.
Identifiers: ClinVar variation 1758065 (VCV001758065.5), dbSNP rs1644931388, ClinGen allele CA340133862.